The following is an entry in ClinVar:

ClinVar aggregate classification (germline): Uncertain significance. Review status: criteria provided, multiple submitters, no conflicts (2 of 4 stars). 4 submissions from 4 submitters: Uncertain significance (4). Last evaluated 2025-03-20.

Conditions:
TECTA-related disorder. Also called: TECTA-related condition.
Inborn genetic diseases. Identifiers: MedGen C0950123, MeSH D030342.

Allele frequency attached by ClinVar (database versions not stated): gnomAD 0.00004 and 0.00005; TOPMed 0.00004; 1000 Genomes Project 0.00020; 1000 Genomes Project 30x 0.00047; ExAC 0.00002; gnomAD exomes 0.00003.
gnomAD v4.1: 42 of 1,614,162 alleles (0.0026%); highest among the groups gnomAD compares: Middle Eastern, 0.049%; no homozygotes.

Submissions (4):

PreventionGenetics, part of Exact Sciences
Classification: Uncertain significance for TECTA-related condition. Last evaluated: 2025-03-20. Review status: criteria provided, single submitter. Criteria: ACMG Guidelines, 2015. Collection method: clinical testing. Allele origin: germline.
Comment: The TECTA c.1421G>A variant is predicted to result in the amino acid substitution p.Arg474His. To our knowledge, this variant has not been reported in the literature. This variant is reported in 0.0099% of alleles in individuals of Ashkenazi Jewish descent in gnomAD. At this time, the clinical significance of this variant is uncertain due to the absence of conclusive functional and genetic evidence.

GeneDx
Classification: Uncertain significance. Last evaluated: 2025-03-19. Review status: criteria provided, single submitter. Criteria: GeneDx Variant Classification Process June 2021. Collection method: clinical testing. Allele origin: germline. Affected: yes.
Comment: In silico analysis indicates that this missense variant does not alter protein structure/function; Has not been previously published as pathogenic or benign to our knowledge; This variant is associated with the following publications: (PMID: 21520338, 31554319, 9590290)

Ambry Genetics
Classification: Uncertain significance for Inborn genetic diseases. Last evaluated: 2024-06-04. Review status: criteria provided, single submitter. Criteria: Ambry Variant Classification Scheme 2023. Collection method: clinical testing. Allele origin: germline.

Labcorp Genetics (formerly Invitae), Labcorp
Classification: Uncertain significance. Last evaluated: 2024-02-24. Review status: criteria provided, single submitter. Criteria: Invitae Variant Classification Sherloc (09022015). Collection method: clinical testing. Allele origin: germline.
Comment: This sequence change replaces arginine, which is basic and polar, with histidine, which is basic and polar, at codon 474 of the TECTA protein (p.Arg474His). This variant is present in population databases (rs542703373, gnomAD 0.01%). This variant has not been reported in the literature in individuals affected with TECTA-related conditions. ClinVar contains an entry for this variant (Variation ID: 1201977). Advanced modeling of protein sequence and biophysical properties (such as structural, functional, and spatial information, amino acid conservation, physicochemical variation, residue mobility, and thermodynamic stability) performed at Invitae indicates that this missense variant is not expected to disrupt TECTA protein function with a negative predictive value of 95%. In summary, the available evidence is currently insufficient to determine the role of this variant in disease. Therefore, it has been classified as a Variant of Uncertain Significance.

NM_005422.4(TECTA):c.1421G>A (p.Arg474His)

Genes: TBCEL-TECTA (TBCEL-TECTA readthrough; plus strand), TECTA (tectorin alpha; plus strand). Cytogenetic location: 11q23.3.
Variant type: single nucleotide variant.
Coding change: c.1421G>A on transcript NM_005422.4 (MANE Select); coding-DNA position 1421, G replaced by A.
Protein change: p.Arg474His; replaces arginine 474 with histidine.
Molecular consequence: missense variant.
Genome position (GRCh38, 1-based): chr11:121,125,519, G>A. VCF-style: chr11-121125519-G-A. GRCh37 (hg19) VCF-style: chr11-120996228-G-A.
Other names: c.2378G>A, p.Arg793His (NM_001378761.1); short protein forms R474H, R793H.
Identifiers: ClinVar variation 1201977 (VCV001201977.11), dbSNP rs542703373, ClinGen allele CA6326742.